The following is an entry in ClinVar:

NM_152381.6(XIRP2):c.6614A>C (p.Asn2205Thr)

Gene: XIRP2 (xin actin binding repeat containing 2; plus strand). Cytogenetic location: 2q24.3.
Variant type: single nucleotide variant.
Coding change: c.6614A>C on transcript NM_152381.6 (MANE Select); coding-DNA position 6614, A replaced by C.
Protein change: p.Asn2205Thr; replaces asparagine 2205 with threonine.
Molecular consequence: missense variant. On other transcripts: intron variant (3).
Genome position (GRCh38, 1-based): chr2:167,248,006, A>C. VCF-style: chr2-167248006-A-C. GRCh37 (hg19) VCF-style: chr2-168104516-A-C.
Other names: c.5948A>C, p.Asn1983Thr (NM_001199144.2); c.1276-6026A>C (NM_001199143.2); c.1177-6026A>C (NM_001079810.4); c.511-6026A>C (NM_001199145.2); c.6614A>C (NM_152381.5); short protein forms N2205T, N1983T.
Identifiers: ClinVar variation 777567 (VCV000777567.7), dbSNP rs73029762, ClinGen allele CA1947447.
Genomic context (GRCh38, chr2:167,248,006, plus strand): 5'-AAACTTTGTTAAAGCAAGAAACAAAATATTCTAATAAGGATATAAAGAAAAAGAATATAA[A>C]CCTTCAACCAATGTGGCAGCTTTTGCCTGTAGAGCAAGACACATCCAATGTAACAGAAAT-3'
Protein context (NP_689594.4, residues 2195-2215): SNKDIKKKNI[Asn2205Thr]LQPMWQLLPV

ClinVar aggregate classification (germline): Benign. Review status: criteria provided, multiple submitters, no conflicts (2 of 4 stars). 3 submissions from 3 submitters: Benign (2). 1 of the submissions does not count toward it. Last evaluated 2019-12-31.

Conditions:
XIRP2-related disorder. Also called: XIRP2-related condition.

Allele frequency attached by ClinVar (database versions not stated): gnomAD exomes 0.00084 and 0.00214; ExAC 0.00253; ESP Exome Variant Server 0.00840; gnomAD 0.00841 and 0.00906; 1000 Genomes Project 0.00919; TOPMed 0.00928; 1000 Genomes Project 30x 0.01077.
gnomAD v4.1: 2,552 of 1,613,110 alleles (0.16%); highest among the groups gnomAD compares: African/African-American, 3%; 45 homozygotes.

Submissions (3):

Labcorp Genetics (formerly Invitae), Labcorp
Classification: Benign. Last evaluated: 2019-12-31. Review status: criteria provided, single submitter. Criteria: Invitae Variant Classification Sherloc (09022015). Collection method: clinical testing. Allele origin: germline.

Breakthrough Genomics
Classification: Benign. Review status: criteria provided, single submitter. Criteria: ACMG Guidelines, 2015. Collection method: not provided. Allele origin: germline. Inheritance: Unknown mechanism. Affected: yes.

PreventionGenetics, part of Exact Sciences
Classification: Benign for XIRP2-related condition. Last evaluated: 2019-02-21. Review status: no assertion criteria provided. Collection method: clinical testing. Allele origin: germline. Not counted in ClinVar's aggregate classification.
Comment: This variant is classified as benign based on ACMG/AMP sequence variant interpretation guidelines (Richards et al. 2015 PMID: 25741868, with internal and published modifications).